The following is an entry in ClinVar:

NM_001206744.2(TPO):c.2513G>A (p.Cys838Tyr)

Genes: LALTOP (lung cancer associated lncRNA targeting TOP2A; minus strand), TPO (thyroid peroxidase; plus strand). Cytogenetic location: 2p25.3.
Variant type: single nucleotide variant.
Coding change: c.2513G>A on transcript NM_001206744.2 (MANE Select); coding-DNA position 2513, G replaced by A.
Protein change: p.Cys838Tyr; replaces cysteine 838 with tyrosine.
Molecular consequence: missense variant. On other transcripts: intron variant (1).
Genome position (GRCh38, 1-based): chr2:1,504,074, G>A. VCF-style: chr2-1504074-G-A. GRCh37 (hg19) VCF-style: chr2-1507846-G-A.
Other names: c.2513G>A, p.Cys838Tyr (NM_000547.6); c.2342G>A, p.Cys781Tyr (NM_001206745.2, NM_175719.4); c.1994G>A, p.Cys665Tyr (NM_175722.3); c.2386+7309G>A (NM_175721.3); short protein forms C665Y, C781Y, C838Y.
Identifiers: ClinVar variation 2627214 (VCV002627214.1), dbSNP rs2546336349, ClinGen allele CA345693619.
Genomic context (GRCh38, chr2:1,504,074, plus strand): 5'-AAGGCGGCTTCCAGTGTCTCTGCGCGGACCCCTACGAGTTAGGAGACGATGGGAGAACCT[G>A]CGTAGGTGAGGCTGTTCCCCTCTCTCTCTGTCCGTCCATTTGCGAGTTTTTGTAAAATGA-3'
Protein context (NP_001193673.1, residues 828-848): PYELGDDGRT[Cys838Tyr]VDSGRLPRVT

ClinVar aggregate classification (germline): Uncertain significance (1 of 4 stars; one submission).

Submission:

Women's Health and Genetics/Laboratory Corporation of America, LabCorp
Classification: Uncertain significance. Last evaluated: 2023-09-13. Review status: criteria provided, single submitter. Criteria: LabCorp Variant Classification Summary - May 2015. Collection method: clinical testing. Allele origin: germline.
Comment: Variant summary: TPO c.2513G>A (p.Cys838Tyr) results in a non-conservative amino acid change located in the EGF-like domain (IPR000742) of the encoded protein sequence. Three of five in-silico tools predict a damaging effect of the variant on protein function. The variant was absent in 251268 control chromosomes (gnomAD). The available data on variant occurrences in the general population are insufficient to allow any conclusion about variant significance. c.2513G>A has been reported in the literature in individuals affected with congenital hypothyroidism, including one compound heterozygote and one individual for which further co-occurrence, co-segregation, and clinical data was not available (e.g., Oliver-Petit_2021, Li_2023). These data therefore do not allow any conclusion about variant significance. To our knowledge, no experimental evidence demonstrating an impact on protein function has been reported. The following publications have been ascertained in the context of this evaluation (PMID: 36125728, 34248839). No submitters have reported clinical-significance assessments for this variant to ClinVar after 2014. Based on the evidence outlined above, the variant was classified as uncertain significance.

Literature cited by the submitters: PubMed 34248839; PubMed 36125728.